The following is an entry in ClinVar:

NM_015338.6(ASXL1):c.1849A>T (p.Ile617Phe)

Gene: ASXL1 (ASXL transcriptional regulator 1; plus strand). Cytogenetic location: 20q11.21.
Variant type: single nucleotide variant.
Coding change: c.1849A>T on transcript NM_015338.6 (MANE Select); coding-DNA position 1849, A replaced by T.
Protein change: p.Ile617Phe; replaces isoleucine 617 with phenylalanine.
Molecular consequence: missense variant.
Genome position (GRCh38, 1-based): chr20:32,434,561, A>T. VCF-style: chr20-32434561-A-T. GRCh37 (hg19) VCF-style: chr20-31022364-A-T.
Other names: c.1666A>T, p.Ile556Phe (NM_001363734.1); short protein forms I556F, I617F.
Identifiers: ClinVar variation 4158006 (VCV004158006.1).

ClinVar aggregate classification (germline): Uncertain significance (1 of 4 stars; one submission).

Conditions:
Inborn genetic diseases. Identifiers: MedGen C0950123, MeSH D030342.

gnomAD v4.1: 2 of 1,613,608 alleles (0.00012%); highest among the groups gnomAD compares: Non-Finnish European, 0.00017%; no homozygotes.

Submission:

Ambry Genetics
Classification: Uncertain significance for Inborn genetic diseases. Last evaluated: 2025-07-03. Review status: criteria provided, single submitter. Criteria: Ambry Variant Classification Scheme 2023. Collection method: clinical testing. Allele origin: germline.
Comment: The p.I617F variant (also known as c.1849A>T), located in coding exon 13 of the ASXL1 gene, results from an A to T substitution at nucleotide position 1849. The isoleucine at codon 617 is replaced by phenylalanine, an amino acid with highly similar properties. This amino acid position is conserved. In addition, the in silico prediction for this alteration is inconclusive. Based on the available evidence, the clinical significance of this variant remains unclear.